The following is an entry in ClinVar:

ClinVar aggregate classification (germline): Likely benign (0 of 4 stars; one submission).

Conditions:
SRCAP-related disorder. Also called: SRCAP-related condition.

Allele frequency attached by ClinVar (database versions not stated): gnomAD exomes below 0.00001; TOPMed below 0.00001.
gnomAD v4.1: 5 of 1,614,202 alleles (0.00031%); highest among the groups gnomAD compares: South Asian, 0.0033%; no homozygotes.

Submission:

PreventionGenetics, part of Exact Sciences
Classification: Likely benign for SRCAP-related condition. Last evaluated: 2019-04-08. Review status: no assertion criteria provided. Collection method: clinical testing. Allele origin: germline.
Comment: This variant is classified as likely benign based on ACMG/AMP sequence variant interpretation guidelines (Richards et al. 2015 PMID: 25741868, with internal and published modifications).

NM_006662.3(SRCAP):c.6438T>C (p.Ala2146=)

Gene: SRCAP (Snf2 related CREBBP activator protein; plus strand). Cytogenetic location: 16p11.2.
Variant type: single nucleotide variant.
Coding change: c.6438T>C on transcript NM_006662.3 (MANE Select); coding-DNA position 6438, T replaced by C.
Protein change: p.Ala2146=; no amino-acid change (alanine 2146 retained).
Molecular consequence: synonymous variant.
Genome position (GRCh38, 1-based): chr16:30,733,742, T>C. VCF-style: chr16-30733742-T-C. GRCh37 (hg19) VCF-style: chr16-30745063-T-C.
Identifiers: ClinVar variation 3057443 (VCV003057443.2), dbSNP rs1200561388, ClinGen allele CA494910193.